The following is an entry in ClinVar:

NM_014946.4(SPAST):c.1494-5T>G

Gene: SPAST (spastin; plus strand). Cytogenetic location: 2p22.3.
Variant type: single nucleotide variant.
Coding change: c.1494-5T>G on transcript NM_014946.4 (MANE Select); 5 bases into the intron before coding-DNA position 1494, T replaced by G.
Molecular consequence: intron variant.
Genome position (GRCh38, 1-based): chr2:32,141,899, T>G. VCF-style: chr2-32141899-T-G. GRCh37 (hg19) VCF-style: chr2-32366968-T-G.
Other names: c.1398-5T>G (NM_199436.2, NM_001377959.1); c.1491-5T>G (NM_001363823.2); c.1395-5T>G (NM_001363875.2).
Identifiers: ClinVar variation 432855 (VCV000432855.11), dbSNP rs1553319072, ClinGen allele CA645372364.

ClinVar aggregate classification (germline): Conflicting classifications of pathogenicity. Review status: criteria provided, conflicting classifications (1 of 4 stars). 3 submissions from 3 submitters: Pathogenic (1); Uncertain significance (2). Last evaluated 2025-09-19.

Conditions:
Hereditary spastic paraplegia 4. Also called: Spastic Paraplegia 4; Familial spastic paraplegia autosomal dominant 2; Spastic paraplegia 4, autosomal dominant. Identifiers: Orphanet 100985, MedGen C1866855, MONDO:0008438, OMIM 182601.

Submissions (3):

GeneDx
Classification: Uncertain significance. Last evaluated: 2025-09-19. Review status: criteria provided, single submitter. Criteria: GeneDx Variant Classification Process June 2021. Collection method: clinical testing. Allele origin: germline. Affected: yes.
Comment: Not observed at significant frequency in large population cohorts (gnomAD); Has not been previously published as pathogenic or benign to our knowledge; In silico analysis is inconclusive as to whether the variant alters gene splicing. In the absence of RNA/functional studies, the actual effect of this sequence change is unknown.

Labcorp Genetics (formerly Invitae), Labcorp
Classification: Pathogenic for Hereditary spastic paraplegia 4. Last evaluated: 2025-07-28. Review status: criteria provided, single submitter. Criteria: Invitae Variant Classification Sherloc (09022015). Collection method: clinical testing. Allele origin: germline.
Comment: This sequence change falls in intron 12 of the SPAST gene. It does not directly change the encoded amino acid sequence of the SPAST protein. This variant is not present in population databases (gnomAD no frequency). This variant has been observed in individuals with spastic paraparesis (external communications, internal data). It has also been observed to segregate with disease in related individuals. Invitae Evidence Modeling of clinical and family history, age, sex, and reported ancestry of multiple individuals with this SPAST variant has been performed. This variant is expected to be pathogenic with a positive predictive value of at least 99%. This is a validated machine learning model that incorporates the clinical features of 4,195 individuals referred to our laboratory for SPAST testing. ClinVar contains an entry for this variant (Variation ID: 432855). Algorithms developed to predict the effect of sequence changes on RNA splicing suggest that this variant may disrupt the consensus splice site. For these reasons, this variant has been classified as Pathogenic.

Athena Diagnostics
Classification: Uncertain significance. Last evaluated: 2023-02-08. Review status: criteria provided, single submitter. Criteria: Athena Diagnostics Criteria. Collection method: clinical testing. Allele origin: unknown.
Comment: Available data are insufficient to determine the clinical significance of the variant at this time. This variant has not been reported in large, multi-ethnic general populations. Computational tools yielded inconclusive predictions regarding the effect of this variant on RNA splicing.